The following is an entry in ClinVar:

NM_001060.6(TBXA2R):c.848C>A (p.Ser283Tyr)

Gene: TBXA2R (thromboxane A2 receptor; minus strand). Cytogenetic location: 19p13.3.
Variant type: single nucleotide variant.
Coding change: c.848C>A on transcript NM_001060.6 (MANE Select); coding-DNA position 848, C replaced by A.
Protein change: p.Ser283Tyr; replaces serine 283 with tyrosine.
Molecular consequence: missense variant.
Genome position (GRCh38, 1-based): chr19:3,595,872, G>T on the plus strand (C>A on the coding strand, the complement: TBXA2R is on the minus strand). VCF-style: chr19-3595872-G-T. GRCh37 (hg19) VCF-style: chr19-3595870-G-T.
Other names: c.848C>A, p.Ser283Tyr (NM_201636.3); c.848C>A (NM_201636.2); short protein forms S283Y.
Identifiers: ClinVar variation 2052264 (VCV002052264.19), dbSNP rs201364793, ClinGen allele CA9080759.

ClinVar aggregate classification (germline): Likely benign. Review status: criteria provided, multiple submitters, no conflicts (2 of 4 stars). 3 submissions from 3 submitters: Likely benign (3). Last evaluated 2026-09-01.

Conditions:
TBXA2R-related disorder. Also called: TBXA2R-related condition.

Allele frequency attached by ClinVar (database versions not stated): ESP Exome Variant Server 0.00039; ExAC 0.00073.

Submissions (3):

PreventionGenetics, part of Exact Sciences
Classification: Likely benign for TBXA2R-related condition. Last evaluated: 2026-09-01. Review status: criteria provided, single submitter. Criteria: ACMG Guidelines, 2015. Collection method: clinical testing. Allele origin: germline.
Comment: This variant is classified as likely benign based on ACMG/AMP sequence variant interpretation guidelines (Richards et al. 2015 PMID: 25741868, with internal and published modifications).

Labcorp Genetics (formerly Invitae), Labcorp
Classification: Likely benign. Last evaluated: 2026-01-11. Review status: criteria provided, single submitter. Criteria: Invitae Variant Classification Sherloc (09022015). Collection method: clinical testing. Allele origin: germline.

CeGaT Center for Human Genetics Tuebingen
Classification: Likely benign. Last evaluated: 2024-11-01. Review status: criteria provided, single submitter. Criteria: CeGaT Center For Human Genetics Tuebingen Variant Classification Criteria Version 2. Collection method: clinical testing. Allele origin: germline. Affected: yes. Observed: 1 variant allele.
Comment: TBXA2R: BP4, BS1